The following is an entry in ClinVar:

NM_172107.4(KCNQ2):c.635A>C (p.Asp212Ala)

Gene: KCNQ2 (potassium voltage-gated channel subfamily Q member 2; minus strand). Cytogenetic location: 20q13.33.
Variant type: single nucleotide variant.
Coding change: c.635A>C on transcript NM_172107.4 (MANE Select); coding-DNA position 635, A replaced by C.
Protein change: p.Asp212Ala; replaces aspartic acid 212 with alanine.
Molecular consequence: missense variant.
Genome position (GRCh38, 1-based): chr20:63,444,714, T>G on the plus strand (A>C on the coding strand, the complement: KCNQ2 is on the minus strand). VCF-style: chr20-63444714-T-G. GRCh37 (hg19) VCF-style: chr20-62076067-T-G.
Other names: c.635A>C, p.Asp212Ala (NM_001382235.1, NM_004518.6, NM_172106.3 and 2 more transcripts); short protein forms D212A.
Identifiers: ClinVar variation 944385 (VCV000944385.10), dbSNP rs118192202, ClinGen allele CA409654740.

ClinVar aggregate classification (germline): Pathogenic (1 of 4 stars; one submission).

Conditions:
Early-infantile DEE. Also called: Early infantile epileptic encephalopathy; Ohtahara syndrome; Early infantile epileptic encephalopathy with suppression bursts. Identifiers: Orphanet 1934, MedGen C0393706, MONDO:0800491.

Submission:

Labcorp Genetics (formerly Invitae), Labcorp
Classification: Pathogenic for Early-infantile DEE. Last evaluated: 2024-07-01. Review status: criteria provided, single submitter. Criteria: Invitae Variant Classification Sherloc (09022015). Collection method: clinical testing. Allele origin: germline.
Comment: This sequence change replaces aspartic acid, which is acidic and polar, with alanine, which is neutral and non-polar, at codon 212 of the KCNQ2 protein (p.Asp212Ala). This variant is not present in population databases (gnomAD no frequency). This missense change has been observed in individual(s) with KCNQ2-related disease (Invitae). In at least one individual the variant was observed to be de novo. ClinVar contains an entry for this variant (Variation ID: 944385). Advanced modeling of protein sequence and biophysical properties (such as structural, functional, and spatial information, amino acid conservation, physicochemical variation, residue mobility, and thermodynamic stability) performed at Invitae indicates that this missense variant is expected to disrupt KCNQ2 protein function with a positive predictive value of 95%. This variant disrupts the p.Asp212 amino acid residue in KCNQ2. Other variant(s) that disrupt this residue have been determined to be pathogenic (PMID: 19344764, 22455920). This suggests that this residue is clinically significant, and that variants that disrupt this residue are likely to be disease-causing. For these reasons, this variant has been classified as Pathogenic.

Literature cited by the submitters: PubMed 19344764; PubMed 22455920.